The following is an entry in ClinVar:

NM_000540.3(RYR1):c.7720C>T (p.His2574Tyr)

Gene: RYR1 (ryanodine receptor 1; plus strand). Cytogenetic location: 19q13.2.
Variant type: single nucleotide variant.
Coding change: c.7720C>T on transcript NM_000540.3 (MANE Select); coding-DNA position 7720, C replaced by T.
Protein change: p.His2574Tyr; replaces histidine 2574 with tyrosine.
Molecular consequence: missense variant.
Genome position (GRCh38, 1-based): chr19:38,502,612, C>T. VCF-style: chr19-38502612-C-T. GRCh37 (hg19) VCF-style: chr19-38993252-C-T.
Other names: c.7720C>T, p.His2574Tyr (NM_001042723.2); c.7720C>T (NM_000540.2); short protein forms H2574Y.
Identifiers: ClinVar variation 1000157 (VCV001000157.9), dbSNP rs144203769, ClinGen allele CA070057.

ClinVar aggregate classification (germline): Uncertain significance. Review status: criteria provided, multiple submitters, no conflicts (2 of 4 stars). 3 submissions from 3 submitters: Uncertain significance (3). Last evaluated 2025-11-13.

Conditions:
Inborn genetic diseases. Identifiers: MedGen C0950123, MeSH D030342.
RYR1-related disorder. Also called: RYR1-related disorders; RYR1-related condition. Identifiers: MedGen CN239331.
Malignant hyperthermia, susceptibility to, 1 (MHS1). Also called: RYR1-Related Malignant Hyperthermia Susceptibility; Anesthesia related hyperthermia; Malignant hyperpyrexia; Fulminating hyperpyrexia; Pharmacogenic myopathy; Malignant hyperthermia suceptibility 1. Identifiers: Orphanet 423, MedGen C2930980, MONDO:0007783, OMIM 145600.

Allele frequency attached by ClinVar (database versions not stated): gnomAD exomes below 0.00001 and 0.00001; ExAC 0.00002; gnomAD 0.00003 and 0.00005; TOPMed 0.00005; ESP Exome Variant Server 0.00008.
gnomAD v4.1: 13 of 1,612,994 alleles (0.00081%); highest among the groups gnomAD compares: African/African-American, 0.015%; no homozygotes.

Submissions (3):

Ambry Genetics
Classification: Uncertain significance for Inborn genetic diseases. Last evaluated: 2025-11-13. Review status: criteria provided, single submitter. Criteria: Ambry Variant Classification Scheme 2023. Collection method: clinical testing. Allele origin: germline.

Color Diagnostics, LLC DBA Color Health
Classification: Uncertain significance for Malignant hyperthermia, susceptibility to, 1. Last evaluated: 2025-06-17. Review status: criteria provided, single submitter. Criteria: ACMG Guidelines, 2015. Collection method: clinical testing. Allele origin: germline.
Comment: This missense variant replaces histidine with tyrosine at codon 2574 of the RYR1 protein. Computational prediction suggests that this variant may have deleterious impact on protein structure and function. To our knowledge, functional studies have not been reported for this variant. This variant has not been reported in individuals affected with RYR1-related disorders in the literature. This variant has been identified in 3/250386 chromosomes in the general population by the Genome Aggregation Database (gnomAD). The available evidence is insufficient to determine the role of this variant in disease conclusively. Therefore, this variant is classified as a Variant of Uncertain Significance.

Labcorp Genetics (formerly Invitae), Labcorp
Classification: Uncertain significance for RYR1-related disorder. Last evaluated: 2022-08-22. Review status: criteria provided, single submitter. Criteria: Invitae Variant Classification Sherloc (09022015). Collection method: clinical testing. Allele origin: germline.
Comment: This variant is present in population databases (rs144203769, gnomAD 0.02%). This variant has not been reported in the literature in individuals affected with RYR1-related conditions. ClinVar contains an entry for this variant (Variation ID: 1000157). Advanced modeling of protein sequence and biophysical properties (such as structural, functional, and spatial information, amino acid conservation, physicochemical variation, residue mobility, and thermodynamic stability) performed at Invitae indicates that this missense variant is expected to disrupt RYR1 protein function. In summary, the available evidence is currently insufficient to determine the role of this variant in disease. Therefore, it has been classified as a Variant of Uncertain Significance. This sequence change replaces histidine, which is basic and polar, with tyrosine, which is neutral and polar, at codon 2574 of the RYR1 protein (p.His2574Tyr).